The following is an entry in ClinVar:

ClinVar aggregate classification (germline): Uncertain significance (1 of 4 stars; one submission).

Allele frequency attached by ClinVar (database versions not stated): gnomAD exomes below 0.00001; gnomAD 0.00001.
gnomAD v4.1: 7 of 1,614,008 alleles (0.00043%); highest among the groups gnomAD compares: South Asian, 0.0066%; no homozygotes.

Submission:

GeneDx
Classification: Uncertain significance. Last evaluated: 2022-07-26. Review status: criteria provided, single submitter. Criteria: GeneDx Variant Classification Process June 2021. Collection method: clinical testing. Allele origin: germline. Affected: yes.
Comment: In silico analysis supports that this missense variant has a deleterious effect on protein structure/function; Has not been previously published as pathogenic or benign to our knowledge

NM_004086.3(COCH):c.794G>C (p.Gly265Ala)

Genes: COCH (cochlin; plus strand), LOC100506071 (uncharacterized LOC100506071; minus strand). Cytogenetic location: 14q12.
Variant type: single nucleotide variant.
Coding change: c.794G>C on transcript NM_004086.3 (MANE Select); coding-DNA position 794, G replaced by C.
Protein change: p.Gly265Ala; replaces glycine 265 with alanine.
Molecular consequence: missense variant. On other transcripts: non-coding transcript variant (1).
Genome position (GRCh38, 1-based): chr14:30,885,454, G>C. VCF-style: chr14-30885454-G-C. GRCh37 (hg19) VCF-style: chr14-31354660-G-C.
Other names: c.794G>C, p.Gly265Ala (NM_001135058.2); c.989G>C, p.Gly330Ala (NM_001347720.2); short protein forms G265A, G330A.
Identifiers: ClinVar variation 2412912 (VCV002412912.2), dbSNP rs761209524, ClinGen allele CA389347549.